The following is an entry in ClinVar:

NM_020821.3(VPS13C):c.10954C>T (p.Arg3652Ter)

Gene: VPS13C (vacuolar protein sorting 13 homolog C; minus strand). Cytogenetic location: 15q22.2.
Variant type: single nucleotide variant.
Coding change: c.10954C>T on transcript NM_020821.3 (MANE Select); coding-DNA position 10954, C replaced by T.
Protein change: p.Arg3652Ter; replaces arginine 3652 with a stop codon.
Molecular consequence: nonsense.
Genome position (GRCh38, 1-based): chr15:61,856,408, G>A on the plus strand (C>T on the coding strand, the complement: VPS13C is on the minus strand). VCF-style: chr15-61856408-G-A. GRCh37 (hg19) VCF-style: chr15-62148607-G-A.
Other names: p.Arg3652*; c.10825C>T, p.Arg3609Ter (NM_017684.5); short protein forms R3609*, R3652*.
Identifiers: ClinVar variation 870544 (VCV000870544.17), dbSNP rs138846118, ClinGen allele CA7594135.
Genomic context (GRCh38, chr15:61,856,408, plus strand): 5'-GACATTGCCAGTCTACACACATAAGGCCCAGGATTTCAACTTCCTTTATACACAACACTC[G>A]CCTATTTTGCAAAAGAAAACAAAAACTTACAGTAAATGATGAAGACAGTTTATTCTTGCC-3'

ClinVar aggregate classification (germline): Pathogenic/Likely pathogenic. Review status: criteria provided, multiple submitters, no conflicts (2 of 4 stars). 7 submissions from 7 submitters: Pathogenic (2); Likely pathogenic (4). 1 of the submissions does not count toward it. Last evaluated 2025-10-16.

Conditions:
Autosomal recessive early-onset Parkinson disease 23. Identifiers: Orphanet 2828, MedGen C4225186, MONDO:0014796, OMIM 616840.

Allele frequency attached by ClinVar (database versions not stated): gnomAD 0.00016 and 0.00017; gnomAD exomes 0.00048 and 0.00018; ESP Exome Variant Server 0.00031; ExAC 0.00017; TOPMed 0.00023.
gnomAD v4.1: 710 of 1,608,594 alleles (0.044%); highest among the groups gnomAD compares: Non-Finnish European, 0.056%; no homozygotes.

Submissions (7):

Dasa
Classification: Likely pathogenic for Autosomal recessive early-onset Parkinson disease 23. Last evaluated: 2025-10-16. Review status: criteria provided, single submitter. Criteria: DASA Assertion Criteria. Collection method: clinical testing. Allele origin: germline.
Comment: NM_020821.3(VPS13C):c.10954C>T (p.Arg3652*) is a nonsense variant in VPS13C predicted to introduce a premature termination codon and is predicted to result in an absent or altered protein product. Loss of function is an established disease mechanism for VPS13C-associated disorders. Also, this variant is rare in population databases. Based on the currently available evidence, this variant is classified as likely pathogenic.

GeneDx
Classification: Likely pathogenic. Last evaluated: 2025-05-18. Review status: criteria provided, single submitter. Criteria: GeneDx Variant Classification Process June 2021. Collection method: clinical testing. Allele origin: germline. Affected: yes.
Comment: Identified in the heterozygous state in an individual with Alzheimer's disease and frontotemporal dementia, although this individual had two APOE e4 alleles that may have also contributed to the phenotype (PMID: 31836585); Reported in the heterozygous state in an individual with blepharospasm, however, this individual had multiple variants in other genes that may have also contributed to the phenotype (PMID: 29770609); Nonsense variant predicted to result in protein truncation or nonsense mediated decay in a gene for which loss of function is a known mechanism of disease; This variant is associated with the following publications: (PMID: 31345219, 33579389, 26942284, 29770609, 31836585, 34875562)

Women's Health and Genetics/Laboratory Corporation of America, LabCorp
Classification: Pathogenic for Autosomal recessive early-onset Parkinson disease 23. Last evaluated: 2025-04-09. Review status: criteria provided, single submitter. Criteria: LabCorp Variant Classification Summary - May 2015. Collection method: clinical testing. Allele origin: germline.
Comment: Variant summary: VPS13C c.10954C>T (p.Arg3652X) results in a premature termination codon, predicted to cause a truncation of the encoded protein or absence of the protein due to nonsense mediated decay, which are commonly known mechanisms for disease. The variant allele was found at a frequency of 0.00018 in 244830 control chromosomes (gnomAD). This frequency is not significantly higher than estimated for a pathogenic variant in VPS13C causing autosomal recessive early-onset Parkinson Disease, allowing no conclusion about variant significance. c.10954C>T has been reported in the literature in individuals affected with clinical features of VPS13C-related conditions (Cochran_2019, Tian_2018). The following publications have been ascertained in the context of this evaluation (PMID: 31836585, 29770609). ClinVar contains an entry for this variant (Variation ID: 870544). Based on the evidence outlined above, the variant was classified as pathogenic.

Labcorp Genetics (formerly Invitae), Labcorp
Classification: Pathogenic. Last evaluated: 2024-10-07. Review status: criteria provided, single submitter. Criteria: Invitae Variant Classification Sherloc (09022015). Collection method: clinical testing. Allele origin: germline.
Comment: This sequence change creates a premature translational stop signal (p.Arg3652*) in the VPS13C gene. It is expected to result in an absent or disrupted protein product. Loss-of-function variants in VPS13C are known to be pathogenic (PMID: 26942284, 34875562). This variant is present in population databases (rs138846118, gnomAD 0.03%). This premature translational stop signal has been observed in individual(s) with clinical features of VPS13C-related conditions (PMID: 29770609, 31836585). ClinVar contains an entry for this variant (Variation ID: 870544). Algorithms developed to predict the effect of sequence changes on RNA splicing suggest that this variant may disrupt the consensus splice site. For these reasons, this variant has been classified as Pathogenic.

Mayo Clinic Laboratories, Mayo Clinic
Classification: Likely pathogenic. Last evaluated: 2024-02-21. Review status: criteria provided, single submitter. Criteria: ACMG Guidelines, 2015. Collection method: clinical testing. Allele origin: germline. Observed: 2 variant alleles.
Comment: PM2_supporting, PVS1

AiLife Diagnostics
Classification: Likely pathogenic. Last evaluated: 2022-02-25. Review status: criteria provided, single submitter. Criteria: ACMG Guidelines, 2015. Collection method: clinical testing. Allele origin: germline. Affected: yes. Observed: 1 variant allele.

HudsonAlpha Institute for Biotechnology
Classification: Uncertain significance for Autosomal recessive early-onset Parkinson disease 23. Last evaluated: 2019-12-01. Review status: no assertion criteria provided. Collection method: research. Allele origin: germline. Affected: yes. Observed: 1 variant allele. Not counted in ClinVar's aggregate classification.

Literature cited by the submitters: PubMed 31836585 (cited by 4 submitters); PubMed 29770609 (cited by 4 submitters); PubMed 26942284 (cited by Labcorp Genetics (formerly Invitae), Labcorp); PubMed 34875562 (cited by Labcorp Genetics (formerly Invitae), Labcorp); PubMed 31345219 (cited by Mayo Clinic Laboratories, Mayo Clinic); PubMed 33579389 (cited by Mayo Clinic Laboratories, Mayo Clinic).